The following is an entry in ClinVar:

NM_177402.5(SYT2):c.46G>T (p.Ala16Ser)

Gene: SYT2 (synaptotagmin 2; minus strand). Cytogenetic location: 1q32.1.
Variant type: single nucleotide variant.
Coding change: c.46G>T on transcript NM_177402.5 (MANE Select); coding-DNA position 46, G replaced by T.
Protein change: p.Ala16Ser; replaces alanine 16 with serine.
Molecular consequence: missense variant.
Genome position (GRCh38, 1-based): chr1:202,605,727, C>A on the plus strand (G>T on the coding strand, the complement: SYT2 is on the minus strand). VCF-style: chr1-202605727-C-A. GRCh37 (hg19) VCF-style: chr1-202574855-C-A.
Other names: c.46G>T, p.Ala16Ser (NM_001136504.1); short protein forms A16S.
Identifiers: ClinVar variation 1303631 (VCV001303631.4), dbSNP rs1209035387, ClinGen allele CA344259845.

ClinVar aggregate classification (germline): Uncertain significance. Review status: criteria provided, multiple submitters, no conflicts (2 of 4 stars). 2 submissions from 2 submitters: Uncertain significance (2). Last evaluated 2020-12-03.

Allele frequency attached by ClinVar (database versions not stated): TOPMed below 0.00001; gnomAD 0.00001.
gnomAD v4.1: 1 of 1,614,038 alleles (0.000062%); highest among the groups gnomAD compares: African/African-American, 0.0013%; no homozygotes.

Submissions (2):

Revvity Omics, Revvity
Classification: Uncertain significance. Last evaluated: 2020-12-03. Review status: criteria provided, single submitter. Criteria: ACMG Guidelines, 2015. Collection method: clinical testing. Allele origin: germline.

GeneDx
Classification: Uncertain significance. Last evaluated: 2019-11-04. Review status: criteria provided, single submitter. Criteria: GeneDx Variant Classification Process June 2021. Collection method: clinical testing. Allele origin: germline. Affected: yes.
Comment: Not observed in large population cohorts (Lek et al., 2016); In silico analysis, which includes protein predictors and evolutionary conservation, supports that this variant does not alter protein structure/function; Has not been previously published as pathogenic or benign to our knowledge